The following is an entry in ClinVar:

ClinVar aggregate classification (germline): Uncertain significance (1 of 4 stars; one submission).

Conditions:
Familial adenomatous polyposis 1 (FAP1). Also called: POLYPOSIS, ADENOMATOUS INTESTINAL; FAMILIAL ADENOMATOUS POLYPOSIS 1, ATTENUATED. Identifiers: MedGen C2713442, MONDO:0021056, OMIM 175100. Disease mechanism: loss of function.

Submission:

Labcorp Genetics (formerly Invitae), Labcorp
Classification: Uncertain significance for Familial adenomatous polyposis 1. Last evaluated: 2024-10-27. Review status: criteria provided, single submitter. Criteria: Invitae Variant Classification Sherloc (09022015). Collection method: clinical testing. Allele origin: germline.
Comment: This sequence change replaces leucine, which is neutral and non-polar, with phenylalanine, which is neutral and non-polar, at codon 318 of the APC protein (p.Leu318Phe). This variant is not present in population databases (gnomAD no frequency). This variant has not been reported in the literature in individuals affected with APC-related conditions. Invitae Evidence Modeling of protein sequence and biophysical properties (such as structural, functional, and spatial information, amino acid conservation, physicochemical variation, residue mobility, and thermodynamic stability) indicates that this missense variant is not expected to disrupt APC protein function with a negative predictive value of 95%. In summary, the available evidence is currently insufficient to determine the role of this variant in disease. Therefore, it has been classified as a Variant of Uncertain Significance.

NM_000038.6(APC):c.954G>T (p.Leu318Phe)

Gene: APC (APC regulator of Wnt signaling pathway; plus strand). Cytogenetic location: 5q22.2.
Variant type: single nucleotide variant.
Coding change: c.954G>T on transcript NM_000038.6 (MANE Select); coding-DNA position 954, G replaced by T.
Protein change: p.Leu318Phe; replaces leucine 318 with phenylalanine.
Molecular consequence: missense variant. On other transcripts: non-coding transcript variant (2), intron variant (15).
Genome position (GRCh38, 1-based): chr5:112,818,986, G>T. VCF-style: chr5-112818986-G-T. GRCh37 (hg19) VCF-style: chr5-112154683-G-T.
Other names: c.954G>T, p.Leu318Phe (NM_001127510.3, NM_001354895.2, NM_001354896.2 and 4 more transcripts); c.900G>T, p.Leu300Phe (NM_001127511.3); c.984G>T, p.Leu328Phe (NM_001354897.2, NM_001407446.1); c.879G>T, p.Leu293Phe (NM_001354898.2, NM_001407451.1); c.870G>T, p.Leu290Phe (NM_001354899.2, NM_001407452.1); c.777G>T, p.Leu259Phe (NM_001354900.2, NM_001354901.2, NM_001407453.1); c.105G>T, p.Leu35Phe (NM_001354906.2, NM_001407470.1); c.85-283G>T (NM_001407472.1, NM_001407471.1); and 5 more; short protein forms L328F, L293F, L318F, L290F, L259F, L300F, L35F.
Identifiers: ClinVar variation 2769312 (VCV002769312.3), dbSNP rs2149778917, ClinGen allele CA16023397.